The following is an entry in ClinVar:

ClinVar aggregate classification (germline): Uncertain significance. Review status: criteria provided, multiple submitters, no conflicts (2 of 4 stars). 3 submissions from 3 submitters: Uncertain significance (3). Last evaluated 2025-04-22.

Conditions:
Inborn genetic diseases. Identifiers: MedGen C0950123, MeSH D030342.
Drash syndrome (DDS). Also called: WILMS TUMOR AND PSEUDO- OR TRUE HERMAPHRODITISM; NEPHROPATHY, WILMS TUMOR, AND GENITAL ANOMALIES. Identifiers: Orphanet 220, MedGen C0950121, MONDO:0008682, OMIM 194080.
Frasier syndrome. Identifiers: Orphanet 347, MedGen C0950122, MeSH D052159, MONDO:0007635, OMIM 136680.
Wilms tumor 1 (WT1). Also called: Wilms tumor, somatic. Identifiers: Orphanet 654, MedGen CN033288, MONDO:0008679, OMIM 194070.
11p partial monosomy syndrome (WAGR). Also called: WAGR syndrome; CHROMOSOME 11p13 DELETION SYNDROME; WAGR Complex; WAGR Spectrum Disorder. Identifiers: Orphanet 893, MedGen C0206115, MONDO:0008681, OMIM 194072.
Meacham syndrome. Also called: Meacham Winn Culler syndrome. Identifiers: Orphanet 3097, MedGen C1837026, MONDO:0012164, OMIM 608978.
Mesothelioma, malignant (MESOM). Also called: Malignant mesothelioma (disease). Identifiers: Orphanet 50251, MedGen C0345967, MONDO:0006292, OMIM 156240, HP:0100001.
Nephrotic syndrome, type 4 (NPHS4). Also called: Familial mesangial sclerosis; Nephrotic syndrome, early onset with diffuse mesangial sclerosis. Identifiers: Orphanet 656, MedGen C3151568, MONDO:0009733, OMIM 256370.

Submissions (3):

Ambry Genetics
Classification: Uncertain significance for Inborn genetic diseases. Last evaluated: 2025-04-22. Review status: criteria provided, single submitter. Criteria: Ambry Variant Classification Scheme 2023. Collection method: clinical testing. Allele origin: germline.
Comment: The p.Q442H variant (also known as c.1326A>C), located in coding exon 8 of the WT1 gene, results from an A to C substitution at nucleotide position 1326. The glutamine at codon 442 is replaced by histidine, an amino acid with highly similar properties. A functional study demonstrated that this variant might disrupt the protein activity (Nagano C et al. Kidney Int Rep, 2021 Aug;6:2114-2121). This amino acid position is highly conserved in available vertebrate species. In addition, the in silico prediction for this alteration is inconclusive. Based on the available evidence, the clinical significance of this variant remains unclear.

Labcorp Genetics (formerly Invitae), Labcorp
Classification: Uncertain significance for Wilms tumor 1; Drash syndrome; 11p partial monosomy syndrome; Frasier syndrome. Last evaluated: 2024-12-17. Review status: criteria provided, single submitter. Criteria: Invitae Variant Classification Sherloc (09022015). Collection method: clinical testing. Allele origin: germline.
Comment: This sequence change replaces glutamine, which is neutral and polar, with histidine, which is basic and polar, at codon 442 of the WT1 protein (p.Gln442His). This variant is present in population databases (no rsID available, gnomAD 0.0009%). This variant has not been reported in the literature in individuals affected with WT1-related conditions. ClinVar contains an entry for this variant (Variation ID: 968083). Invitae Evidence Modeling of protein sequence and biophysical properties (such as structural, functional, and spatial information, amino acid conservation, physicochemical variation, residue mobility, and thermodynamic stability) indicates that this missense variant is expected to disrupt WT1 protein function with a positive predictive value of 95%. In summary, the available evidence is currently insufficient to determine the role of this variant in disease. Therefore, it has been classified as a Variant of Uncertain Significance.

Fulgent Genetics
Classification: Uncertain significance for Frasier syndrome; Mesothelioma, malignant; Wilms tumor 1; Drash syndrome; Nephrotic syndrome, type 4; Meacham syndrome. Last evaluated: 2024-02-12. Review status: criteria provided, single submitter. Criteria: ACMG Guidelines, 2015. Collection method: clinical testing. Allele origin: germline.

Literature cited by the submitters: PubMed 34386660 (cited by Ambry Genetics).

NM_024426.6(WT1):c.1341A>C (p.Gln447His)

Gene: WT1 (WT1 transcription factor; minus strand). Cytogenetic location: 11p13.
Variant type: single nucleotide variant.
Coding change: c.1341A>C on transcript NM_024426.6 (MANE Select); coding-DNA position 1341, A replaced by C.
Protein change: p.Gln447His; replaces glutamine 447 with histidine.
Molecular consequence: missense variant. On other transcripts: non-coding transcript variant (1).
Genome position (GRCh38, 1-based): chr11:32,392,679, T>G on the plus strand (A>C on the coding strand, the complement: WT1 is on the minus strand). VCF-style: chr11-32392679-T-G. GRCh37 (hg19) VCF-style: chr11-32414225-T-G.
Other names: c.1290A>C, p.Gln430His (NM_000378.6, NM_001407045.1, NM_001407049.1); c.690A>C, p.Gln230His (NM_001198551.2); c.639A>C, p.Gln213His (NM_001198552.2); c.153A>C, p.Gln51His (NM_001367854.1); c.1335A>C, p.Gln445His (NM_001407044.1); c.1341A>C, p.Gln447His (NM_001407046.1, NM_024424.5); c.1218A>C, p.Gln406His (NM_001407047.1); c.1167A>C, p.Gln389His (NM_001407050.1); and 2 more; short protein forms Q430H, Q213H, Q51H, Q230H, Q447H, Q193H, Q389H, Q425H.
Identifiers: ClinVar variation 968083 (VCV000968083.11), dbSNP rs772822466, ClinGen allele CA379959159.
Genomic context (GRCh38, chr11:32,392,679, plus strand): 5'-AGCCCAAGGGAACACAGCTGCCAGCAATGAGAAGTGAACCTACAAACCTGTATGTCTCCT[T>G]TGGTGTCTTTTGAGCTGGTCTGAACGAGAAAACCTTCGTTCACAGTCCTTGAAGTCACAC-3'
Protein context (NP_077744.4, residues 437-457): FSRSDQLKRH[Gln447His]RRHTGVKPFQ